The following is an entry in ClinVar:

ClinVar aggregate classification (germline): Likely pathogenic (1 of 4 stars; one submission).

Submission:

Labcorp Genetics (formerly Invitae), Labcorp
Classification: Likely pathogenic. Last evaluated: 2021-07-31. Review status: criteria provided, single submitter. Criteria: Invitae Variant Classification Sherloc (09022015). Collection method: clinical testing. Allele origin: germline.
Comment: In summary, the currently available evidence indicates that the variant is pathogenic, but additional data are needed to prove that conclusively. Therefore, this variant has been classified as Likely Pathogenic. Algorithms developed to predict the effect of sequence changes on RNA splicing suggest that this variant may disrupt the consensus splice site. This variant has not been reported in the literature in individuals affected with EYS-related conditions. This variant is not present in population databases (ExAC no frequency). This sequence change affects an acceptor splice site in intron 35 of the EYS gene. It is expected to disrupt RNA splicing. Variants that disrupt the donor or acceptor splice site typically lead to a loss of protein function (PMID: 16199547), and loss-of-function variants in EYS are known to be pathogenic (PMID: 18836446, 20333770).

Literature cited by the submitters: PubMed 16199547; PubMed 18836446; PubMed 20333770.

NM_001142800.2(EYS):c.7056-1G>C

Gene: EYS (EGF-like photoreceptor maintenance factor; minus strand). Cytogenetic location: 6q12.
Variant type: single nucleotide variant.
Coding change: c.7056-1G>C on transcript NM_001142800.2 (MANE Select); the canonical splice acceptor site of the intron before coding-DNA position 7056, G replaced by C.
Molecular consequence: splice acceptor variant.
Genome position (GRCh38, 1-based): chr6:63,864,359, C>G on the plus strand (G>C on the coding strand, the complement: EYS is on the minus strand). VCF-style: chr6-63864359-C-G. GRCh37 (hg19) VCF-style: chr6-64574252-C-G.
Other names: c.7056-1G>C (NM_001292009.2).
Identifiers: ClinVar variation 1521682 (VCV001521682.6), dbSNP rs1772620934, ClinGen allele CA364386704.